The following is an entry in ClinVar:

ClinVar aggregate classification (germline): Benign (1 of 4 stars; one submission).

Allele frequency attached by ClinVar (database versions not stated): gnomAD 0.10147 and 0.10763; 1000 Genomes Project 0.10923; TOPMed 0.10996; 1000 Genomes Project 30x 0.11181.
gnomAD v4.1: 15,308 of 152,126 alleles (10%); highest among the groups gnomAD compares: African/African-American, 30%; 1,995 homozygotes.

Submission:

GeneDx
Classification: Benign. Last evaluated: 2018-06-16. Review status: criteria provided, single submitter. Criteria: GeneDx Variant Classification (06012015). Collection method: clinical testing. Allele origin: germline. Affected: yes.
Comment: This variant is considered likely benign or benign based on one or more of the following criteria: it is a conservative change, it occurs at a poorly conserved position in the protein, it is predicted to be benign by multiple in silico algorithms, and/or has population frequency not consistent with disease.

NM_025114.4(CEP290):c.5227-301A>C

Gene: CEP290 (centrosomal protein 290; minus strand). Cytogenetic location: 12q21.32.
Variant type: single nucleotide variant.
Coding change: c.5227-301A>C on transcript NM_025114.4 (MANE Select); 301 bases into the intron before coding-DNA position 5227, A replaced by C.
Molecular consequence: intron variant.
Genome position (GRCh38, 1-based): chr12:88,079,530, T>G on the plus strand (A>C on the coding strand, the complement: CEP290 is on the minus strand). VCF-style: chr12-88079530-T-G. GRCh37 (hg19) VCF-style: chr12-88473307-T-G.
Identifiers: ClinVar variation 673837 (VCV000673837.1), dbSNP rs59247112, ClinGen allele CA241154303.